The following is an entry in ClinVar:

NM_001367624.2(ZNF469):c.7040C>T (p.Ala2347Val)

Gene: ZNF469 (zinc finger protein 469; plus strand). Cytogenetic location: 16q24.2.
Variant type: single nucleotide variant.
Coding change: c.7040C>T on transcript NM_001367624.2 (MANE Select); coding-DNA position 7040, C replaced by T.
Protein change: p.Ala2347Val; replaces alanine 2347 with valine.
Molecular consequence: missense variant.
Genome position (GRCh38, 1-based): chr16:88,434,510, C>T. VCF-style: chr16-88434510-C-T. GRCh37 (hg19) VCF-style: chr16-88500918-C-T.
Other names: NM_001127464.2:c.6956C>T; short protein forms A2347V.
Identifiers: ClinVar variation 4977377 (VCV004977377.1).

ClinVar aggregate classification (germline): Uncertain significance (1 of 4 stars; one submission).

Conditions:
ZNF469-related disorder. Also called: ZNF469-related condition.

gnomAD v4.1: 68 of 1,550,148 alleles (0.0044%); highest among the groups gnomAD compares: South Asian, 0.074%; no homozygotes.

Submission:

PreventionGenetics, part of Exact Sciences
Classification: Uncertain significance for ZNF469-related condition. Last evaluated: 2026-02-24. Review status: criteria provided, single submitter. Criteria: ACMG Guidelines, 2015. Collection method: clinical testing. Allele origin: germline.
Comment: The ZNF469 c.6956C>T variant is predicted to result in the amino acid substitution p.Ala2319Val. To our knowledge, this variant has not been reported in the literature. This variant is reported in 0.079% of alleles in individuals of South Asian descent in gnomAD. Although we suspect that this variant may be benign, at this time, the clinical significance of this variant is uncertain due to the absence of conclusive functional and genetic evidence.